The following is an entry in ClinVar:

NM_002734.5(PRKAR1A):c.818C>T (p.Pro273Leu)

Gene: PRKAR1A (protein kinase cAMP-dependent type I regulatory subunit alpha; plus strand). Cytogenetic location: 17q24.2.
Variant type: single nucleotide variant.
Coding change: c.818C>T on transcript NM_002734.5 (MANE Select); coding-DNA position 818, C replaced by T.
Protein change: p.Pro273Leu; replaces proline 273 with leucine.
Molecular consequence: missense variant.
Genome position (GRCh38, 1-based): chr17:68,528,918, C>T. VCF-style: chr17-68528918-C-T. GRCh37 (hg19) VCF-style: chr17-66525059-C-T.
Other names: c.818C>T, p.Pro273Leu (NM_001276289.2, NM_001276290.1, NM_001278433.2 and 4 more transcripts); short protein forms P273L.
Identifiers: ClinVar variation 3309964 (VCV003309964.1).

ClinVar aggregate classification (germline): Uncertain significance (1 of 4 stars; one submission).

Conditions:
Hereditary cancer-predisposing syndrome. Also called: Neoplastic Syndromes, Hereditary; Tumor predisposition; Hereditary neoplastic syndrome; Hereditary Cancer Syndrome. Identifiers: Orphanet 140162, MedGen C0027672, MeSH D009386, MONDO:0015356.

Submission:

Ambry Genetics
Classification: Uncertain significance for Hereditary cancer-predisposing syndrome. Last evaluated: 2024-04-19. Review status: criteria provided, single submitter. Criteria: Ambry Variant Classification Scheme 2023. Collection method: clinical testing. Allele origin: germline.
Comment: The p.P273L variant (also known as c.818C>T), located in coding exon 8 of the PRKAR1A gene, results from a C to T substitution at nucleotide position 818. The proline at codon 273 is replaced by leucine, an amino acid with similar properties. This amino acid position is conserved. In addition, the in silico prediction for this alteration is inconclusive. Based on the available evidence, the clinical significance of this variant remains unclear.